The following is an entry in ClinVar:

ClinVar aggregate classification (germline): Pathogenic (1 of 4 stars; one submission).

Conditions:
Wilson disease (WND). Also called: Wilson's disease. Identifiers: Orphanet 905, MedGen C0019202, MONDO:0010200, OMIM 277900. Disease mechanism: loss of function.

Submission:

Myriad Genetics, Inc.
Classification: Pathogenic for Wilson disease. Last evaluated: 2026-08-07. Review status: criteria provided, single submitter. Criteria: Myriad Autosomal Dominant, Autosomal Recessive and X-Linked Classification Criteria (2023). Collection method: clinical testing. Allele origin: unknown.
Comment: NM_000053.3(ATP7B):c.3560_3561dupTG(L1188Cfs*5) is a frameshift variant classified as pathogenic in the context of Wilson disease. L1188Cfs*5 has not been observed in cases with relevant disease. Relevant functional assessments of this variant are not available in the literature. L1188Cfs*5 has not been observed in referenced population frequency databases. In summary, NM_000053.3(ATP7B):c.3560_3561dupTG(L1188Cfs*5) is a frameshift variant in a gene where loss of function is a known mechanism of disease and is predicted to disrupt protein function. Please note: this variant was assessed in the context of healthy population screening.

NM_000053.4(ATP7B):c.3560_3561dup (p.Leu1188fs)

Gene: ATP7B (ATPase copper transporting beta; minus strand). Cytogenetic location: 13q14.3.
Variant type: Microsatellite.
Coding change: c.3560_3561dup on transcript NM_000053.4 (MANE Select); coding-DNA positions 3560 to 3561, 2 bases duplicated (TG; older notation c.3560_3561dupTG).
Protein change: p.Leu1188fs; shifts the reading frame from leucine 1188.
Molecular consequence: frameshift variant.
Genome position (GRCh38, 1-based): chr13:51,939,189-51,939,190, CA duplicated on the plus strand (TG on the coding strand, the reverse complement: ATP7B is on the minus strand); duplicating any 2 consecutive bases within chr13:51,939,189-51,939,193 gives the same sequence; the c. name uses the placement nearest the transcript's 3' end. VCF-style (leftmost placement, unchanged base first): chr13-51939188-G-GCA. GRCh37 (hg19) VCF-style: chr13-52513324-G-GCA.
Other names: c.2939_2940dup, p.Leu981fs (NM_001005918.3); c.3227_3228dup, p.Leu1077fs (NM_001243182.2); c.3326_3327dup, p.Leu1110fs (NM_001330578.2, NM_001406527.1, NM_001406528.1); c.3308_3309dup, p.Leu1104fs (NM_001330579.2, NM_001406531.1, NM_001406532.1); c.3560_3561dup, p.Leu1188fs (NM_001406511.1, NM_001406512.1, NM_001406526.1); c.3554_3555dup, p.Leu1186fs (NM_001406513.1); c.3527_3528dup, p.Leu1177fs (NM_001406514.1); c.3506_3507dup, p.Leu1170fs (NM_001406515.1, NM_001406516.1); and 20 more; short protein forms L1039fs, L1077fs, L1127fs, L1140fs, L1186fs, L758fs, L907fs, L1026fs.
Identifiers: ClinVar variation 5004837 (VCV005004837.1).